The following is an entry in ClinVar:

ClinVar aggregate classification (germline): Uncertain significance (1 of 4 stars; one submission).

Submission:

Labcorp Genetics (formerly Invitae), Labcorp
Classification: Uncertain significance. Last evaluated: 2024-12-25. Review status: criteria provided, single submitter. Criteria: Invitae Variant Classification Sherloc (09022015). Collection method: clinical testing. Allele origin: germline.
Comment: This sequence change replaces methionine, which is neutral and non-polar, with isoleucine, which is neutral and non-polar, at codon 231 of the HNF1B protein (p.Met231Ile). This variant is not present in population databases (gnomAD no frequency). This variant has not been reported in the literature in individuals affected with HNF1B-related conditions. Invitae Evidence Modeling of protein sequence and biophysical properties (such as structural, functional, and spatial information, amino acid conservation, physicochemical variation, residue mobility, and thermodynamic stability) indicates that this missense variant is not expected to disrupt HNF1B protein function with a negative predictive value of 80%. In summary, the available evidence is currently insufficient to determine the role of this variant in disease. Therefore, it has been classified as a Variant of Uncertain Significance.

NM_000458.4(HNF1B):c.693G>A (p.Met231Ile)

Genes: HNF1B (HNF1 homeobox B; minus strand), LOC126862549 (BRD4-independent group 4 enhancer GRCh37_chr17:36093401-36094600; plus strand). Cytogenetic location: 17q12.
Variant type: single nucleotide variant.
Coding change: c.693G>A on transcript NM_000458.4 (MANE Select); coding-DNA position 693, G replaced by A.
Protein change: p.Met231Ile; replaces methionine 231 with isoleucine.
Molecular consequence: missense variant.
Genome position (GRCh38, 1-based): chr17:37,733,673, C>T on the plus strand (G>A on the coding strand, the complement: HNF1B is on the minus strand). VCF-style: chr17-37733673-C-T. GRCh37 (hg19) VCF-style: chr17-36093666-C-T.
Other names: c.615G>A, p.Met205Ile (NM_001165923.4, NM_001304286.2); c.693G>A, p.Met231Ile (NM_001411100.1); short protein forms M205I, M231I.
Identifiers: ClinVar variation 3666431 (VCV003666431.2).